The following is an entry in ClinVar:

ClinVar aggregate classification (germline): Uncertain significance. Review status: criteria provided, multiple submitters, no conflicts (2 of 4 stars). 2 submissions from 2 submitters: Uncertain significance (2). Last evaluated 2023-12-13.

Conditions:
Catecholaminergic polymorphic ventricular tachycardia (CVPT). Also called: Catecholamine-induced polymorphic ventricular tachycardia. Identifiers: Orphanet 3286, MedGen C5574922, MONDO:0017990.
Catecholaminergic polymorphic ventricular tachycardia 1. Also called: VENTRICULAR TACHYCARDIA, STRESS-INDUCED POLYMORPHIC 1; VENTRICULAR TACHYCARDIA, CATECHOLAMINERGIC POLYMORPHIC, 1, WITH OR WITHOUT ATRIAL DYSFUNCTION AND/OR DILATED CARDIOMYOPATHY; RYR2-Related Catecholaminergic Polymorphic Ventricular Tachycardia. Identifiers: Orphanet 3286, MedGen C1631597, MONDO:0011484, OMIM 604772.

Submissions (2):

All of Us Research Program, National Institutes of Health
Classification: Uncertain significance for Catecholaminergic polymorphic ventricular tachycardia. Last evaluated: 2023-12-13. Review status: criteria provided, single submitter. Criteria: ACMG Guidelines, 2015. Collection method: clinical testing. Allele origin: germline. Inheritance: Autosomal dominant inheritance. Observed: 1 variant allele, 1 heterozygote.
Comment: This missense variant replaces arginine with lysine at codon 3581 of the RYR2 protein. Computational prediction suggests that this variant may not impact protein structure and function. To our knowledge, functional studies have not been reported for this variant. This variant has been reported in an infant that experienced sudden unexpected death, who also carried a variant (ClinVar variant ID: 25349) in the SLC22A5 gene (PMID: 26350513). This variant has not been identified in the general population by the Genome Aggregation Database (gnomAD). The available evidence is insufficient to determine the role of this variant in disease conclusively. Therefore, this variant is classified as a Variant of Uncertain Significance.

This study involves interpretation of variants in research participants for the purpose of population health screening. Participant phenotype was not available at the time of variant classification. Additional details can be found in publication PMID: 35346344, PMCID: PMC8962531

Labcorp Genetics (formerly Invitae), Labcorp
Classification: Uncertain significance for Catecholaminergic polymorphic ventricular tachycardia 1. Last evaluated: 2020-05-23. Review status: criteria provided, single submitter. Criteria: Invitae Variant Classification Sherloc (09022015). Collection method: clinical testing. Allele origin: germline.
Comment: In summary, the available evidence is currently insufficient to determine the role of this variant in disease. Therefore, it has been classified as a Variant of Uncertain Significance. Algorithms developed to predict the effect of missense changes on protein structure and function are either unavailable or do not agree on the potential impact of this missense change (SIFT: "Deleterious"; PolyPhen-2: "Benign"; Align-GVGD: "Class C25"). This variant has been observed in individual(s) who suffered sudden unexpected death (PMID: 26350513). This variant is not present in population databases (ExAC no frequency). This sequence change replaces arginine with lysine at codon 3581 of the RYR2 protein (p.Arg3581Lys). The arginine residue is highly conserved and there is a small physicochemical difference between arginine and lysine.

Literature cited by the submitters: PubMed 26350513 (cited by All of Us Research Program, National Institutes of Health and Labcorp Genetics (formerly Invitae), Labcorp).

NM_001035.3(RYR2):c.10742G>A (p.Arg3581Lys)

Gene: RYR2 (ryanodine receptor 2; plus strand). Cytogenetic location: 1q43.
Variant type: single nucleotide variant.
Coding change: c.10742G>A on transcript NM_001035.3 (MANE Select); coding-DNA position 10742, G replaced by A.
Protein change: p.Arg3581Lys; replaces arginine 3581 with lysine.
Molecular consequence: missense variant.
Genome position (GRCh38, 1-based): chr1:237,727,103, G>A. VCF-style: chr1-237727103-G-A. GRCh37 (hg19) VCF-style: chr1-237890403-G-A.
Other names: short protein forms R3581K.
Identifiers: ClinVar variation 1053843 (VCV001053843.11), dbSNP rs1390354432, ClinGen allele CA064378.